The following is an entry in ClinVar:

NM_001395891.1(CLASP1):c.3740C>A (p.Thr1247Asn)

Gene: CLASP1 (cytoplasmic linker associated protein 1; minus strand). Cytogenetic location: 2q14.2.
Variant type: single nucleotide variant.
Coding change: c.3740C>A on transcript NM_001395891.1 (MANE Select); coding-DNA position 3740, C replaced by A.
Protein change: p.Thr1247Asn; replaces threonine 1247 with asparagine.
Molecular consequence: missense variant.
Genome position (GRCh38, 1-based): chr2:121,367,797, G>T on the plus strand (C>A on the coding strand, the complement: CLASP1 is on the minus strand). VCF-style: chr2-121367797-G-T. GRCh37 (hg19) VCF-style: chr2-122125373-G-T.
Other names: c.3500C>A, p.Thr1167Asn (NM_001142273.2); c.3476C>A, p.Thr1159Asn (NM_001142274.2); c.3494C>A, p.Thr1165Asn (NM_001207051.2, NM_001378005.1); c.3581C>A, p.Thr1194Asn (NM_001378003.1); c.3473C>A, p.Thr1158Asn (NM_001378004.1); c.3677C>A, p.Thr1226Asn (NM_015282.3); short protein forms T1158N, T1159N, T1165N, T1167N, T1194N, T1226N, T1247N.
Identifiers: ClinVar variation 3037345 (VCV003037345.2), dbSNP rs144957722, ClinGen allele CA1853550.

ClinVar aggregate classification (germline): Benign (0 of 4 stars; one submission).

Conditions:
CLASP1-related disorder. Also called: CLASP1-related condition.

Allele frequency attached by ClinVar (database versions not stated): ESP Exome Variant Server 0.00041; gnomAD exomes 0.00332; gnomAD 0.00731; 1000 Genomes Project 0.01038; ExAC 0.01040; 1000 Genomes Project 30x 0.01156; TOPMed 0.01223.
gnomAD v4.1: 5,984 of 1,613,780 alleles (0.37%); highest among the groups gnomAD compares: Admixed American, 8.4%; 267 homozygotes.

Submission:

PreventionGenetics, part of Exact Sciences
Classification: Benign for CLASP1-related condition. Last evaluated: 2020-02-11. Review status: no assertion criteria provided. Collection method: clinical testing. Allele origin: germline.
Comment: This variant is classified as benign based on ACMG/AMP sequence variant interpretation guidelines (Richards et al. 2015 PMID: 25741868, with internal and published modifications).